The following is an entry in ClinVar:

NM_005144.5(HR):c.3296G>A (p.Arg1099Gln)

Gene: HR (HR lysine demethylase and nuclear receptor corepressor; minus strand). Cytogenetic location: 8p21.3.
Variant type: single nucleotide variant.
Coding change: c.3296G>A on transcript NM_005144.5 (MANE Select); coding-DNA position 3296, G replaced by A.
Protein change: p.Arg1099Gln; replaces arginine 1099 with glutamine.
Molecular consequence: missense variant. On other transcripts: intron variant (1).
Genome position (GRCh38, 1-based): chr8:22,116,957, C>T on the plus strand (G>A on the coding strand, the complement: HR is on the minus strand). VCF-style: chr8-22116957-C-T. GRCh37 (hg19) VCF-style: chr8-21974470-C-T.
Other names: c.3214-529G>A (NM_018411.4); short protein forms R1099Q.
Identifiers: ClinVar variation 2165055 (VCV002165055.4), dbSNP rs771604649, ClinGen allele CA4661814.

ClinVar aggregate classification (germline): Uncertain significance (1 of 4 stars; one submission).

Allele frequency attached by ClinVar (database versions not stated): ExAC 0.00008.
gnomAD v4.1: 13 of 1,539,440 alleles (0.00084%); highest among the groups gnomAD compares: Admixed American, 0.0039%; no homozygotes.

Submission:

Labcorp Genetics (formerly Invitae), Labcorp
Classification: Uncertain significance. Last evaluated: 2024-10-22. Review status: criteria provided, single submitter. Criteria: Invitae Variant Classification Sherloc (09022015). Collection method: clinical testing. Allele origin: germline.
Comment: This sequence change replaces arginine, which is basic and polar, with glutamine, which is neutral and polar, at codon 1099 of the HR protein (p.Arg1099Gln). The frequency data for this variant in the population databases is considered unreliable, as metrics indicate poor data quality at this position in the gnomAD database. This variant has not been reported in the literature in individuals affected with HR-related conditions. ClinVar contains an entry for this variant (Variation ID: 2165055). An algorithm developed to predict the effect of missense changes on protein structure and function (PolyPhen-2) suggests that this variant is likely to be disruptive. In summary, the available evidence is currently insufficient to determine the role of this variant in disease. Therefore, it has been classified as a Variant of Uncertain Significance.